The following is an entry in ClinVar:

NM_007294.4(BRCA1):c.4554G>A (p.Gln1518=)

Gene: BRCA1 (BRCA1 DNA repair associated; minus strand). Cytogenetic location: 17q21.31.
Variant type: single nucleotide variant.
Coding change: c.4554G>A on transcript NM_007294.4 (MANE Select); coding-DNA position 4554, G replaced by A.
Protein change: p.Gln1518=; no amino-acid change (glutamine 1518 retained).
Molecular consequence: synonymous variant. On other transcripts: intron variant (3).
Genome position (GRCh38, 1-based): chr17:43,074,452, C>T on the plus strand (G>A on the coding strand, the complement: BRCA1 is on the minus strand). VCF-style: chr17-43074452-C-T. GRCh37 (hg19) VCF-style: chr17-41226469-C-T.
Other names: c.4551G>A, p.Gln1517= (NM_001407621.1, NM_001407622.1, NM_001407623.1 and 17 more transcripts); c.4548G>A, p.Gln1516= (NM_001407627.1, NM_001407628.1, NM_001407629.1 and 14 more transcripts); c.4545G>A, p.Gln1515= (NM_001407644.1, NM_001407645.1); c.4542G>A, p.Gln1514= (NM_001407646.1); c.4539G>A, p.Gln1513= (NM_001407647.1); c.4497G>A, p.Gln1499= (NM_001407648.1); c.4494G>A, p.Gln1498= (NM_001407649.1); c.4554G>A, p.Gln1518= (NM_001407652.1, NM_001407684.1, NM_001407854.1 and 8 more transcripts); and 71 more.
Identifiers: ClinVar variation 186022 (VCV000186022.7), dbSNP rs786202635, ClinGen allele CA002903.
Genomic context (GRCh38, chr17:43,074,452, plus strand): 5'-CTGTTGCTCCTCCACATCAACAACCTTAATGAGCTCCTCTTGAGATGGGTAGTTTCTATT[C>T]TGAAGACTCCCAGAGCAACTGTGCATGTACCACCTATCATCTAATGATGGGCATTTAGAA-3'
Protein context (NP_009225.1, residues 1508-1528): WYMHSCSGSL[Gln1518=]NRNYPSQEEL

ClinVar aggregate classification (germline): Likely benign. Review status: reviewed by expert panel (3 of 4 stars). 4 submissions from 4 submitters: Likely benign (1). 3 of the submissions do not count toward it. Last evaluated 2017-06-29.

Conditions:
Breast-ovarian cancer, familial, susceptibility to, 1 (BROVCA1). Also called: OVARIAN CANCER, SUSCEPTIBILITY TO; BRCA1 Hereditary Breast and Ovarian Cancer. Identifiers: Orphanet 145, MedGen C2676676, MONDO:0011450, OMIM 604370. Disease mechanism: loss of function.
Hereditary cancer-predisposing syndrome. Also called: Hereditary Cancer Syndrome; Hereditary neoplastic syndrome; Tumor predisposition; Neoplastic Syndromes, Hereditary. Identifiers: Orphanet 140162, MedGen C0027672, MeSH D009386, MONDO:0015356.

Allele frequency attached by ClinVar (database versions not stated): gnomAD exomes below 0.00001; gnomAD 0.00001; 1000 Genomes Project 30x 0.00016.
gnomAD v4.1: 2 of 1,614,148 alleles (0.00012%); highest among the groups gnomAD compares: Admixed American, 0.0017%; no homozygotes.

Submissions (4):

Evidence-based Network for the Interpretation of Germline Mutant Alleles (ENIGMA)
Classification: Likely benign for Breast-ovarian cancer, familial, susceptibility to, 1. Last evaluated: 2017-06-29. Review status: reviewed by expert panel. Criteria: ENIGMA BRCA1/2 Classification Criteria (2017-06-29). Collection method: curation. Allele origin: germline.
Comment: Synonymous substitution variant, with low bioinformatic likelihood to result in a splicing aberration (Splicing prior probability 0.02).

GeneDx
Classification: Likely benign. Last evaluated: 2017-08-23. Review status: criteria provided, single submitter. Criteria: GeneDx Variant Classification (06012015). Collection method: clinical testing. Allele origin: germline. Affected: yes. Not counted in ClinVar's aggregate classification.
Comment: This variant is considered likely benign or benign based on one or more of the following criteria: it is a conservative change, it occurs at a poorly conserved position in the protein, it is predicted to be benign by multiple in silico algorithms, and/or has population frequency not consistent with disease.

Color Diagnostics, LLC DBA Color Health
Classification: Likely benign for Hereditary cancer-predisposing syndrome. Last evaluated: 2016-01-14. Review status: criteria provided, single submitter. Criteria: ACMG Guidelines, 2015. Collection method: clinical testing. Allele origin: germline. Not counted in ClinVar's aggregate classification.

Ambry Genetics
Classification: Likely benign for Hereditary cancer-predisposing syndrome. Last evaluated: 2014-08-29. Review status: criteria provided, single submitter. Criteria: Ambry Autosomal Dominant and X-Linked criteria (10/2015). Collection method: clinical testing. Allele origin: germline. Observed: 1 variant allele. Not counted in ClinVar's aggregate classification.